The following is an entry in ClinVar:

NC_000023.10:g.(?_24544305)_(25025566_?)dup

Genes: ARX (aristaless related homeobox; minus strand), PCYT1B (phosphate cytidylyltransferase 1B, choline; minus strand), PDK3 (pyruvate dehydrogenase kinase 3; plus strand), POLA1 (DNA polymerase alpha 1, catalytic subunit; plus strand). Cytogenetic location: Xp22.11-21.3.
Variant type: Duplication.
Identifiers: ClinVar variation 1441680 (VCV001441680.7).

ClinVar aggregate classification (germline): Uncertain significance (1 of 4 stars; one submission).

Conditions:
Intellectual disability, X-linked, with or without seizures, ARX-related. Also called: Mental retardation, X-linked 52; INTELLECTUAL DEVELOPMENTAL DISORDER, X-LINKED 29; MENTAL RETARDATION, X-LINKED 29; MENTAL RETARDATION, X-LINKED 32; MENTAL RETARDATION, X-LINKED 33; MENTAL RETARDATION, X-LINKED 38. Identifiers: Orphanet 777, MedGen C0796244, MONDO:0010317, OMIM 300419.
Developmental and epileptic encephalopathy, 1 (DEE1). Also called: X-linked infantile spasms; West's syndrome; Tonic spasms with clustering, arrest of psychomotor development and hypsarrhythmia on EEG; X-Linked Infantile Spasm Syndrome; OHTAHARA SYNDROME, X-LINKED; Epileptic encephalopathy, early infantile, 1. Identifiers: MedGen C3463992, MONDO:0010632, OMIM 308350. Disease mechanism: loss of function.

Submission:

Labcorp Genetics (formerly Invitae), Labcorp
Classification: Uncertain significance for Developmental and epileptic encephalopathy, 1; Intellectual disability, X-linked, with or without seizures, ARX-related. Last evaluated: 2021-08-12. Review status: criteria provided, single submitter. Criteria: Invitae Variant Classification Sherloc (09022015). Collection method: clinical testing. Allele origin: germline.
Comment: This variant results in a copy number gain of the genomic region encompassing exon(s) 4-5 of the ARX gene. This region includes the termination codon of the gene. This copy number gain extends beyond the assayed region for this gene and therefore may encompass additional genes. As the precise location of this event is unknown, it may be in tandem or it may be located elsewhere in the genome. This variant has not been reported in the literature in individuals affected with ARX-related conditions. In summary, the available evidence is currently insufficient to determine the role of this variant in disease. Therefore, it has been classified as a Variant of Uncertain Significance.